The following is an entry in ClinVar:

ClinVar aggregate classification (germline): Uncertain significance (1 of 4 stars; one submission).

Submission:

Labcorp Genetics (formerly Invitae), Labcorp
Classification: Uncertain significance. Last evaluated: 2021-05-08. Review status: criteria provided, single submitter. Criteria: Invitae Variant Classification Sherloc (09022015). Collection method: clinical testing. Allele origin: germline.
Comment: This variant has not been reported in the literature in individuals with IDH3B-related conditions. This sequence change replaces alanine with glutamic acid at codon 3 of the IDH3B protein (p.Ala3Glu). The alanine residue is weakly conserved and there is a moderate physicochemical difference between alanine and glutamic acid. This variant is not present in population databases (ExAC no frequency). Algorithms developed to predict the effect of missense changes on protein structure and function are either unavailable or do not agree on the potential impact of this missense change (SIFT: "Not Available"; PolyPhen-2: "Benign"; Align-GVGD: "Not Available"). In summary, the available evidence is currently insufficient to determine the role of this variant in disease. Therefore, it has been classified as a Variant of Uncertain Significance.

NM_006899.5(IDH3B):c.8C>A (p.Ala3Glu)

Gene: IDH3B (isocitrate dehydrogenase (NAD(+)) 3 non-catalytic subunit beta; minus strand). Cytogenetic location: 20p13.
Variant type: single nucleotide variant.
Coding change: c.8C>A on transcript NM_006899.5 (MANE Select); coding-DNA position 8, C replaced by A.
Protein change: p.Ala3Glu; replaces alanine 3 with glutamic acid.
Molecular consequence: missense variant. On other transcripts: non-coding transcript variant (1).
Genome position (GRCh38, 1-based): chr20:2,664,181, G>T on the plus strand (C>A on the coding strand, the complement: IDH3B is on the minus strand). VCF-style: chr20-2664181-G-T. GRCh37 (hg19) VCF-style: chr20-2644827-G-T.
Other names: c.8C>A, p.Ala3Glu (NM_001258384.3, NM_001330763.2, NM_174855.4); short protein forms A3E.
Identifiers: ClinVar variation 1393845 (VCV001393845.6), dbSNP rs3178817, ClinGen allele CA408041349.